The following is an entry in ClinVar:

ClinVar aggregate classification (germline): Conflicting classifications of pathogenicity. Review status: criteria provided, conflicting classifications (1 of 4 stars). 6 submissions from 6 submitters: Uncertain significance (3); Likely benign (3). Last evaluated 2025-12-05.

Conditions:
Cardiovascular phenotype. Identifiers: MedGen CN230736.
Hypercholesterolemia, autosomal dominant, type B (FHCL2). Also called: Familial hypercholesterolemia 2; APOB-Related Familial Hypercholesterolemia, Autosomal Dominant; APOLIPOPROTEIN B-100, FAMILIAL DEFECTIVE; APOLIPOPROTEIN B-100, FAMILIAL LIGAND-DEFECTIVE; Familial Hypercholesterolemia Type B; HYPERCHOLESTEROLEMIA, FAMILIAL, DUE TO LIGAND-DEFECTIVE APOLIPOPROTEIN B. Identifiers: MedGen C1704417, MONDO:0007751, OMIM 144010.
Familial hypobetalipoproteinemia 1. Also called: APOB-Related Familial Hypobetalipoproteinemia; Hypobetalipoproteinemia, normotriglyceridemic; Acanthocytosis with hypobetalipoproteinemia. Identifiers: MedGen C4551990, MONDO:0014252, OMIM 615558.

Allele frequency attached by ClinVar (database versions not stated): gnomAD 0.00003 and 0.00004; TOPMed 0.00003; gnomAD exomes 0.00007 and 0.00014; ESP Exome Variant Server 0.00008; 1000 Genomes Project 30x 0.00016; ExAC 0.00017; 1000 Genomes Project 0.00020.
gnomAD v4.1: 112 of 1,614,110 alleles (0.0069%); highest among the groups gnomAD compares: Middle Eastern, 0.066%; no homozygotes.

Submissions (6):

Labcorp Genetics (formerly Invitae), Labcorp
Classification: Likely benign for Familial hypobetalipoproteinemia 1; Hypercholesterolemia, autosomal dominant, type B. Last evaluated: 2025-12-05. Review status: criteria provided, single submitter. Criteria: Invitae Variant Classification Sherloc (09022015). Collection method: clinical testing. Allele origin: germline.

Molecular Diagnostic Laboratory for Inherited Cardiovascular Disease, Montreal Heart Institute
Classification: Uncertain significance for Cardiovascular phenotype. Last evaluated: 2025-04-09. Review status: criteria provided, single submitter. Criteria: ACMG Guidelines, 2015. Collection method: clinical testing. Allele origin: germline. Affected: yes.

Blueprint Genetics
Classification: Likely benign. Last evaluated: 2024-10-17. Review status: criteria provided, single submitter. Criteria: ACMG Guidelines, 2015. Collection method: clinical testing. Allele origin: germline.

CeGaT Center for Human Genetics Tuebingen
Classification: Likely benign. Last evaluated: 2024-07-01. Review status: criteria provided, single submitter. Criteria: CeGaT Center For Human Genetics Tuebingen Variant Classification Criteria Version 2. Collection method: clinical testing. Allele origin: germline. Affected: yes. Observed: 2 variant alleles.
Comment: APOB: BP4

Quest Diagnostics Nichols Institute San Juan Capistrano
Classification: Uncertain significance. Last evaluated: 2023-10-16. Review status: criteria provided, single submitter. Criteria: Quest Diagnostics criteria. Collection method: clinical testing. Allele origin: unknown.

Fulgent Genetics
Classification: Uncertain significance for Hypercholesterolemia, autosomal dominant, type B; Familial hypobetalipoproteinemia 1. Last evaluated: 2021-10-25. Review status: criteria provided, single submitter. Criteria: ACMG Guidelines, 2015. Collection method: clinical testing. Allele origin: unknown.

Literature cited by the submitters: PubMed 36973604 (cited by Quest Diagnostics Nichols Institute San Juan Capistrano); PubMed 34707284 (cited by Quest Diagnostics Nichols Institute San Juan Capistrano); PubMed 32009526 (cited by Quest Diagnostics Nichols Institute San Juan Capistrano); PubMed 31629702 (cited by Quest Diagnostics Nichols Institute San Juan Capistrano); PubMed 30122538 (cited by Quest Diagnostics Nichols Institute San Juan Capistrano).

NM_000384.3(APOB):c.2170G>T (p.Gly724Cys)

Gene: APOB (apolipoprotein B; minus strand). Cytogenetic location: 2p24.1.
Variant type: single nucleotide variant.
Coding change: c.2170G>T on transcript NM_000384.3 (MANE Select); coding-DNA position 2170, G replaced by T.
Protein change: p.Gly724Cys; replaces glycine 724 with cysteine.
Molecular consequence: missense variant.
Genome position (GRCh38, 1-based): chr2:21,026,862, C>A on the plus strand (G>T on the coding strand, the complement: APOB is on the minus strand). VCF-style: chr2-21026862-C-A. GRCh37 (hg19) VCF-style: chr2-21249734-C-A.
Other names: short protein forms G724C.
Identifiers: ClinVar variation 334169 (VCV000334169.38), dbSNP rs143425834, ClinGen allele CA055468.
Genomic context (GRCh38, chr2:21,026,862, plus strand): 5'-CATCTTTGGTATAGCCAAAGTGGTCCACTAAGACCTTAGAGACACCATCAGGAACTTGAC[C>A]ATTAACCCAGTACAAAGCTTTGTTGACACTGTCTGGGAAAAATCCTTGCTTCCCAAAAAG-3'
Protein context (NP_000375.3, residues 714-734): SVNKALYWVN[Gly724Cys]QVPDGVSKVL